The following is an entry in ClinVar:

NM_001378454.1(ALMS1):c.6528dup (p.Gln2177fs)

Gene: ALMS1 (ALMS1 centrosome and basal body associated protein; plus strand). Cytogenetic location: 2p13.1.
Variant type: Duplication.
Coding change: c.6528dup on transcript NM_001378454.1 (MANE Select); coding-DNA position 6528, one base duplicated (T; older notation c.6528dupT).
Protein change: p.Gln2177fs; shifts the reading frame from glutamine 2177.
Molecular consequence: frameshift variant.
Genome position (GRCh38, 1-based): chr2:73,453,055, T duplicated. VCF-style (leftmost placement, unchanged base first): chr2-73453054-A-AT. GRCh37 (hg19) VCF-style: chr2-73680181-A-AT.
Other names: c.6531dup, p.Gln2178fs (NM_015120.4); short protein forms Q2177fs, Q2178fs.
Identifiers: ClinVar variation 1068901 (VCV001068901.7), dbSNP rs2103790479, ClinGen allele CA2499216252.

ClinVar aggregate classification (germline): Pathogenic (1 of 4 stars; one submission).

Conditions:
Alstrom syndrome (ALMS). Identifiers: Orphanet 64, MedGen C0268425, MONDO:0008763, OMIM 203800.

Submission:

Labcorp Genetics (formerly Invitae), Labcorp
Classification: Pathogenic for Alstrom syndrome. Last evaluated: 2020-07-14. Review status: criteria provided, single submitter. Criteria: Invitae Variant Classification Sherloc (09022015). Collection method: clinical testing. Allele origin: germline.
Comment: This variant is not present in population databases (ExAC no frequency). For these reasons, this variant has been classified as Pathogenic. Loss-of-function variants in ALMS1 are known to be pathogenic (PMID: 17594715). This variant has not been reported in the literature in individuals with ALMS1-related conditions. This sequence change creates a premature translational stop signal (p.Gln2178Serfs*17) in the ALMS1 gene. It is expected to result in an absent or disrupted protein product.

Literature cited by the submitters: PubMed 17594715.